The following is an entry in ClinVar:

NM_020686.6(ABAT):c.*1210T>C

Gene: ABAT (4-aminobutyrate aminotransferase; plus strand). Cytogenetic location: 16p13.2.
Variant type: single nucleotide variant.
Coding change: c.*1210T>C on transcript NM_020686.6 (MANE Select); 1210 bases downstream of the stop codon, T replaced by C.
Molecular consequence: 3 prime UTR variant.
Genome position (GRCh38, 1-based): chr16:8,782,640, T>C. VCF-style: chr16-8782640-T-C. GRCh37 (hg19) VCF-style: chr16-8876497-T-C.
Other names: c.*1210T>C (NM_000663.5, NM_001127448.2, NM_001386600.1 and 14 more transcripts); c.*1224T>C (NM_001386609.1, NM_001386616.1).
Identifiers: ClinVar variation 321115 (VCV000321115.6), dbSNP rs17674530, ClinGen allele CA10648230.

ClinVar aggregate classification (germline): Benign. Review status: criteria provided, multiple submitters, no conflicts (2 of 4 stars). 2 submissions from 2 submitters: Benign (2). Last evaluated 2018-01-12.

Conditions:
Gamma-aminobutyric acid transaminase deficiency (GABATD). Also called: GABA aminotransaminase deficiency; GABA transaminase deficiency; Gamma aminobutyrate transaminase deficiency; 4 alpha aminobutyrate transaminase deficiency. Identifiers: Orphanet 2066, MedGen C0342708, MONDO:0013166, OMIM 613163.

Allele frequency attached by ClinVar (database versions not stated): 1000 Genomes Project 30x 0.04997; gnomAD exomes 0.05128; 1000 Genomes Project 0.05192; TOPMed 0.05561; gnomAD 0.05905 and 0.05915.
gnomAD v4.1: 9,040 of 152,382 alleles (5.9%); highest among the groups gnomAD compares: East Asian, 9.8%; 319 homozygotes.

Submissions (2):

Illumina Laboratory Services, Illumina
Classification: Benign for Gamma-aminobutyric acid transaminase deficiency. Last evaluated: 2018-01-12. Review status: criteria provided, single submitter. Criteria: ICSL Variant Classification Criteria 13 December 2019. Collection method: clinical testing. Allele origin: germline.
Comment: This variant was observed in the ICSL laboratory as part of a predisposition screen in an ostensibly healthy population. It had not been previously curated by ICSL or reported in the Human Gene Mutation Database (HGMD: prior to June 1st, 2018), and was therefore a candidate for classification through an automated scoring system. Utilizing variant allele frequency, disease prevalence and penetrance estimates, and inheritance mode, an automated score was calculated to assess if this variant is too frequent to cause the disease. Based on the score and internal cut-off values, a variant classified as benign is not then subjected to further curation. The score for this variant resulted in a classification of benign for this disease.

Breakthrough Genomics
Classification: Benign. Review status: criteria provided, single submitter. Criteria: ACMG Guidelines, 2015. Collection method: not provided. Allele origin: germline. Inheritance: Autosomal recessive inheritance. Affected: yes.